The following is an entry in ClinVar:

NM_005004.4(NDUFB8):c.402C>A (p.Phe134Leu)

Gene: NDUFB8 (NADH:ubiquinone oxidoreductase subunit B8; minus strand). Cytogenetic location: 10q24.31.
Variant type: single nucleotide variant.
Coding change: c.402C>A on transcript NM_005004.4 (MANE Select); coding-DNA position 402, C replaced by A.
Protein change: p.Phe134Leu; replaces phenylalanine 134 with leucine.
Molecular consequence: missense variant.
Genome position (GRCh38, 1-based): chr10:100,526,465, G>T on the plus strand (C>A on the coding strand, the complement: NDUFB8 is on the minus strand). VCF-style: chr10-100526465-G-T. GRCh37 (hg19) VCF-style: chr10-102286222-G-T.
Other names: c.402C>A, p.Phe134Leu (NM_001284367.2); c.309C>A, p.Phe103Leu (NM_001284368.1); short protein forms F103L, F134L.
Identifiers: ClinVar variation 1497908 (VCV001497908.8), dbSNP rs775806330, ClinGen allele CA378175752.
Genomic context (GRCh38, chr10:100,526,465, plus strand): 5'-CTGGTAGACAGGGTACACGTCCCCCACCCAGCACATGAATATCATGAAAGCCAGGAAACC[G>T]AAGAGCTGCATACACATGACATGCCAAGAAACAGGTGTGGGGGATGTATCCACACGGTTC-3'
Protein context (NP_004995.1, residues 124-144): VSWHVMCMQL[Phe134Leu]GFLAFMIFMC

ClinVar aggregate classification (germline): Uncertain significance (1 of 4 stars; one submission).

Allele frequency attached by ClinVar (database versions not stated): TOPMed below 0.00001.
gnomAD v4.1: 12 of 1,612,418 alleles (0.00074%); highest among the groups gnomAD compares: African/African-American, 0.0013%; no homozygotes.

Submission:

Labcorp Genetics (formerly Invitae), Labcorp
Classification: Uncertain significance. Last evaluated: 2020-12-26. Review status: criteria provided, single submitter. Criteria: Invitae Variant Classification Sherloc (09022015). Collection method: clinical testing. Allele origin: germline.
Comment: In summary, the available evidence is currently insufficient to determine the role of this variant in disease. Therefore, it has been classified as a Variant of Uncertain Significance. Algorithms developed to predict the effect of sequence changes on RNA splicing suggest that this variant may create or strengthen a splice site, but this prediction has not been confirmed by published transcriptional studies. Algorithms developed to predict the effect of missense changes on protein structure and function output the following: SIFT: "Tolerated"; PolyPhen-2: "Benign"; Align-GVGD: "Class C0". The leucine amino acid residue is found in multiple mammalian species, suggesting that this missense change does not adversely affect protein function. These predictions have not been confirmed by published functional studies and their clinical significance is uncertain. This variant has not been reported in the literature in individuals with NDUFB8-related conditions. This variant is not present in population databases (ExAC no frequency). This sequence change replaces phenylalanine with leucine at codon 134 of the NDUFB8 protein (p.Phe134Leu). The phenylalanine residue is moderately conserved and there is a small physicochemical difference between phenylalanine and leucine.